The following is an entry in ClinVar:

ClinVar aggregate classification (germline): Uncertain significance (1 of 4 stars; one submission).

Allele frequency attached by ClinVar (database versions not stated): TOPMed 0.00001.

Submission:

Labcorp Genetics (formerly Invitae), Labcorp
Classification: Uncertain significance. Last evaluated: 2022-06-22. Review status: criteria provided, single submitter. Criteria: Invitae Variant Classification Sherloc (09022015). Collection method: clinical testing. Allele origin: germline.
Comment: This sequence change replaces methionine, which is neutral and non-polar, with valine, which is neutral and non-polar, at codon 1024 of the CFH protein (p.Met1024Val). This variant is not present in population databases (gnomAD no frequency). In summary, the available evidence is currently insufficient to determine the role of this variant in disease. Therefore, it has been classified as a Variant of Uncertain Significance. Algorithms developed to predict the effect of missense changes on protein structure and function (SIFT, PolyPhen-2, Align-GVGD) all suggest that this variant is likely to be tolerated. This variant has not been reported in the literature in individuals affected with CFH-related conditions.

NM_000186.4(CFH):c.3070A>G (p.Met1024Val)

Gene: CFH (complement factor H; plus strand). Cytogenetic location: 1q31.3.
Variant type: single nucleotide variant.
Coding change: c.3070A>G on transcript NM_000186.4 (MANE Select); coding-DNA position 3070, A replaced by G.
Protein change: p.Met1024Val; replaces methionine 1024 with valine.
Molecular consequence: missense variant.
Genome position (GRCh38, 1-based): chr1:196,741,988, A>G. VCF-style: chr1-196741988-A-G. GRCh37 (hg19) VCF-style: chr1-196711118-A-G.
Other names: short protein forms M1024V.
Identifiers: ClinVar variation 2009470 (VCV002009470.4), dbSNP rs1652822845, ClinGen allele CA343981765.
Genomic context (GRCh38, chr1:196,741,988, plus strand): 5'-AAGAAGGATGTGTATAAGGCGGGTGAGCAAGTGACTTACACTTGTGCAACATATTACAAA[A>G]TGGATGGAGCCAGTAATGTAACATGCATTAATAGCAGATGGACAGGAAGGCCAACATGCA-3'
Protein context (NP_000177.2, residues 1014-1034): VTYTCATYYK[Met1024Val]DGASNVTCIN